The following is an entry in ClinVar:

ClinVar aggregate classification (germline): Uncertain significance (1 of 4 stars; one submission).

Submission:

Labcorp Genetics (formerly Invitae), Labcorp
Classification: Uncertain significance. Last evaluated: 2020-08-31. Review status: criteria provided, single submitter. Criteria: Invitae Variant Classification Sherloc (09022015). Collection method: clinical testing. Allele origin: germline.
Comment: In summary, the available evidence is currently insufficient to determine the role of this variant in disease. Therefore, it has been classified as a Variant of Uncertain Significance. Algorithms developed to predict the effect of missense changes on protein structure and function (SIFT, PolyPhen-2, Align-GVGD) all suggest that this variant is likely to be tolerated, but these predictions have not been confirmed by published functional studies and their clinical significance is uncertain. This variant has not been reported in the literature in individuals with TUBGCP6-related conditions. This variant is not present in population databases (ExAC no frequency). This sequence change replaces proline with alanine at codon 1358 of the TUBGCP6 protein (p.Pro1358Ala). The proline residue is weakly conserved and there is a small physicochemical difference between proline and alanine.

NM_020461.4(TUBGCP6):c.4072C>G (p.Pro1358Ala)

Gene: TUBGCP6 (tubulin gamma complex component 6; minus strand). Cytogenetic location: 22q13.33.
Variant type: single nucleotide variant.
Coding change: c.4072C>G on transcript NM_020461.4 (MANE Select); coding-DNA position 4072, C replaced by G.
Protein change: p.Pro1358Ala; replaces proline 1358 with alanine.
Molecular consequence: missense variant.
Genome position (GRCh38, 1-based): chr22:50,220,287, G>C on the plus strand (C>G on the coding strand, the complement: TUBGCP6 is on the minus strand). VCF-style: chr22-50220287-G-C. GRCh37 (hg19) VCF-style: chr22-50658716-G-C.
Other names: short protein forms P1358A.
Identifiers: ClinVar variation 1023697 (VCV001023697.8), dbSNP rs1384885087, ClinGen allele CA412177222.
Genomic context (GRCh38, chr22:50,220,287, plus strand): 5'-GACCACCAGCCACCCTACTCTGACCTAGTTCTTCAGAGACACTGTCTCCCGGGGTGTTGG[G>C]CCACCATGGTTGGGTGGGAGCCACGTCTGACACGTTCTCCCCCACGCTGATGCTCCCCTC-3'
Protein context (NP_065194.3, residues 1348-1368): SDVAPTQPWW[Pro1358Ala]NTPGDSVSEE